The following is an entry in ClinVar:

NM_003194.5(TBP):c.410C>T (p.Pro137Leu)

Gene: TBP (TATA-box binding protein; plus strand). Cytogenetic location: 6q27.
Variant type: single nucleotide variant.
Coding change: c.410C>T on transcript NM_003194.5 (MANE Select); coding-DNA position 410, C replaced by T.
Protein change: p.Pro137Leu; replaces proline 137 with leucine.
Molecular consequence: missense variant.
Genome position (GRCh38, 1-based): chr6:170,562,146, C>T. VCF-style: chr6-170562146-C-T. GRCh37 (hg19) VCF-style: chr6-170871234-C-T.
Other names: c.350C>T, p.Pro117Leu (NM_001172085.2); short protein forms P137L, P117L.
Identifiers: ClinVar variation 1033982 (VCV001033982.2), dbSNP rs142540266, ClinGen allele CA4108372.

ClinVar aggregate classification (germline): Uncertain significance. Review status: criteria provided, multiple submitters, no conflicts (2 of 4 stars). 2 submissions from 2 submitters: Uncertain significance (2). Last evaluated 2024-04-15.

Conditions:
Inborn genetic diseases. Identifiers: MedGen C0950123, MeSH D030342.
Spinocerebellar ataxia type 17 (SCA17). Also called: Cerebelloparenchymal disorder II; HUNTINGTON DISEASE-LIKE 4; Olivopontocerebellar atrophy V; Olivopontocerebellar atrophy 5; Spinocerebellar Ataxia Type17. Identifiers: Orphanet 98759, MedGen C1846707, MONDO:0011781, OMIM 607136.

Allele frequency attached by ClinVar (database versions not stated): gnomAD 0.00001 and 0.00002; gnomAD exomes 0.00001 and 0.00002; ExAC 0.00002; TOPMed 0.00003; ESP Exome Variant Server 0.00023.
gnomAD v4.1: 21 of 1,614,068 alleles (0.0013%); highest among the groups gnomAD compares: Non-Finnish European, 0.0016%; no homozygotes.

Submissions (2):

Ambry Genetics
Classification: Uncertain significance for Inborn genetic diseases. Last evaluated: 2024-04-15. Review status: criteria provided, single submitter. Criteria: Ambry Variant Classification Scheme 2023. Collection method: clinical testing. Allele origin: germline.

Baylor Genetics
Classification: Uncertain significance for Spinocerebellar ataxia type 17. Last evaluated: 2018-03-01. Review status: criteria provided, single submitter. Criteria: ACMG Guidelines, 2015. Collection method: clinical testing. Allele origin: unknown. Affected: yes.
Comment: This variant was determined to be of uncertain significance according to ACMG Guidelines, 2015 [PMID:25741868].